The following is an entry in ClinVar:

NM_000642.3(AGL):c.2413G>A (p.Glu805Lys)

Gene: AGL (amylo-alpha-1,6-glucosidase and 4-alpha-glucanotransferase; plus strand). Cytogenetic location: 1p21.2.
Variant type: single nucleotide variant.
Coding change: c.2413G>A on transcript NM_000642.3 (MANE Select); coding-DNA position 2413, G replaced by A.
Protein change: p.Glu805Lys; replaces glutamic acid 805 with lysine.
Molecular consequence: missense variant.
Genome position (GRCh38, 1-based): chr1:99,884,224, G>A. VCF-style: chr1-99884224-G-A. GRCh37 (hg19) VCF-style: chr1-100349780-G-A.
Other names: c.2413G>A, p.Glu805Lys (NM_000028.3, NM_000643.3, NM_000644.3 and 2 more transcripts); c.2365G>A, p.Glu789Lys (NM_000646.3); c.2212G>A, p.Glu738Lys (NM_001425327.1); c.2209G>A, p.Glu737Lys (NM_001425328.1, NM_001425329.1); c.2035G>A, p.Glu679Lys (NM_001425332.1); short protein forms E789K, E805K, E679K, E737K, E738K.
Identifiers: ClinVar variation 835825 (VCV000835825.9), dbSNP rs1368670677, ClinGen allele CA341320920.

ClinVar aggregate classification (germline): Uncertain significance. Review status: criteria provided, multiple submitters, no conflicts (2 of 4 stars). 3 submissions from 3 submitters: Uncertain significance (2). 1 of the submissions does not count toward it. Last evaluated 2023-11-29.

Conditions:
Glycogen storage disease type III (GSD3). Also called: FORBES DISEASE; Cori disease. Identifiers: Orphanet 366, MedGen C0017922, MONDO:0009291, OMIM 232400.
Inborn genetic diseases. Identifiers: MedGen C0950123, MeSH D030342.

Allele frequency attached by ClinVar (database versions not stated): gnomAD exomes 0.00001 and 0.00002.
gnomAD v4.1: 7 of 1,613,330 alleles (0.00043%); highest among the groups gnomAD compares: East Asian, 0.013%; no homozygotes.

Submissions (3):

Ambry Genetics
Classification: Uncertain significance for Inborn genetic diseases. Last evaluated: 2023-11-29. Review status: criteria provided, single submitter. Criteria: Ambry Variant Classification Scheme 2023. Collection method: clinical testing. Allele origin: germline.

Labcorp Genetics (formerly Invitae), Labcorp
Classification: Uncertain significance for Glycogen storage disease type III. Last evaluated: 2021-11-11. Review status: criteria provided, single submitter. Criteria: Invitae Variant Classification Sherloc (09022015). Collection method: clinical testing. Allele origin: germline.
Comment: This sequence change replaces glutamic acid, which is acidic and polar, with lysine, which is basic and polar, at codon 805 of the AGL protein (p.Glu805Lys). This variant is present in population databases (no rsID available, gnomAD 0.03%). This variant has not been reported in the literature in individuals affected with AGL-related conditions. ClinVar contains an entry for this variant (Variation ID: 835825). Algorithms developed to predict the effect of missense changes on protein structure and function are either unavailable or do not agree on the potential impact of this missense change (SIFT: "Deleterious"; PolyPhen-2: "Benign"; Align-GVGD: "Class C0"). In summary, the available evidence is currently insufficient to determine the role of this variant in disease. Therefore, it has been classified as a Variant of Uncertain Significance.

Natera, Inc.
Classification: Uncertain significance for Glycogen storage disease type III. Last evaluated: 2021-01-19. Review status: no assertion criteria provided. Collection method: clinical testing. Allele origin: germline. Not counted in ClinVar's aggregate classification.